The following is an entry in ClinVar:

ClinVar aggregate classification (germline): Likely benign (1 of 4 stars; one submission).

Conditions:
TTC28-related disorder. Also called: TTC28-related condition.

gnomAD v4.1: 2 of 1,547,168 alleles (0.00013%); highest among the groups gnomAD compares: Admixed American, 0.0039%; no homozygotes.

Submission:

PreventionGenetics, part of Exact Sciences
Classification: Likely benign for TTC28-related condition. Last evaluated: 2026-09-02. Review status: criteria provided, single submitter. Criteria: ACMG Guidelines, 2015. Collection method: clinical testing. Allele origin: germline.
Comment: This variant is classified as likely benign based on ACMG/AMP sequence variant interpretation guidelines (Richards et al. 2015 PMID: 25741868, with internal and published modifications).

NM_001145418.2(TTC28):c.5445G>A (p.Gln1815=)

Genes: TTC28 (tetratricopeptide repeat domain 28; minus strand), TTC28-AS1 (TTC28 antisense RNA 1; plus strand). Cytogenetic location: 22q12.1.
Variant type: single nucleotide variant.
Coding change: c.5445G>A on transcript NM_001145418.2 (MANE Select); coding-DNA position 5445, G replaced by A.
Protein change: p.Gln1815=; no amino-acid change (glutamine 1815 retained).
Molecular consequence: synonymous variant.
Genome position (GRCh38, 1-based): chr22:27,993,318, C>T on the plus strand (G>A on the coding strand, the complement: TTC28 is on the minus strand). VCF-style: chr22-27993318-C-T. GRCh37 (hg19) VCF-style: chr22-28389306-C-T.
Other names: c.5445G>A, p.Gln1815= (NM_001393403.1); c.5091G>A, p.Gln1697= (NM_001393404.1, NM_001393405.1).
Identifiers: ClinVar variation 4990309 (VCV004990309.1).